The following is an entry in ClinVar:

ClinVar aggregate classification (germline): Likely pathogenic (1 of 4 stars; one submission).

Conditions:
FBN1-related disorder. Also called: FBN1-related disorders.

Submission:

Greenwood Genetic Center Diagnostic Laboratories, Greenwood Genetic Center
Classification: Likely pathogenic for FBN1-related disorder. Last evaluated: 2024-09-21. Review status: criteria provided, single submitter. Criteria: ACMG Guidelines, 2015. Collection method: clinical testing. Allele origin: germline. Affected: yes.
Comment: PS2, PM2, PP2

NM_000138.5(FBN1):c.8318A>T (p.Asn2773Ile)

Gene: FBN1 (fibrillin 1; minus strand). Cytogenetic location: 15q21.1.
Variant type: single nucleotide variant.
Coding change: c.8318A>T on transcript NM_000138.5 (MANE Select); coding-DNA position 8318, A replaced by T.
Protein change: p.Asn2773Ile; replaces asparagine 2773 with isoleucine.
Molecular consequence: missense variant.
Genome position (GRCh38, 1-based): chr15:48,411,288, T>A on the plus strand (A>T on the coding strand, the complement: FBN1 is on the minus strand). VCF-style: chr15-48411288-T-A. GRCh37 (hg19) VCF-style: chr15-48703485-T-A.
Other names: c.8318A>T, p.Asn2773Ile (NM_001406716.1); short protein forms N2773I.
Identifiers: ClinVar variation 3765658 (VCV003765658.1).
Genomic context (GRCh38, chr15:48,411,288, plus strand): 5'-TATCTGTTGTGATTCGTCAGAGTTGTAAGAGCTGGAAGGAGTTCTAGGATTCGAACCTTG[T>A]TACTGACGTGGGAAATATTGAAAGCAAAGATGGCTGTCTTCTCAACATCCCAACTTGCAA-3'
Protein context (NP_000129.3, residues 2763-2783): IFAFNISHVS[Asn2773Ile]KVRILELLPA